The following is an entry in ClinVar:

ClinVar aggregate classification (germline): Uncertain significance. Review status: criteria provided, multiple submitters, no conflicts (2 of 4 stars). 3 submissions from 3 submitters: Uncertain significance (3). Last evaluated 2025-09-06.

Conditions:
Combined immunodeficiency due to LRBA deficiency. Also called: Common variable immunodeficiency 8, with autoimmunity. Identifiers: Orphanet 445018, MedGen C3553512, MONDO:0013863, OMIM 614700.
Inborn genetic diseases. Identifiers: MedGen C0950123, MeSH D030342.

Allele frequency attached by ClinVar (database versions not stated): gnomAD exomes 0.00001; ExAC 0.00002.
gnomAD v4.1: 15 of 1,610,474 alleles (0.00093%); highest among the groups gnomAD compares: South Asian, 0.0077%; no homozygotes.

Submissions (3):

Mayo Clinic Laboratories, Mayo Clinic
Classification: Uncertain significance. Last evaluated: 2025-09-06. Review status: criteria provided, single submitter. Criteria: ACMG Guidelines, 2015. Collection method: clinical testing. Allele origin: germline. Observed: 1 variant allele.

Ambry Genetics
Classification: Uncertain significance for Inborn genetic diseases. Last evaluated: 2024-01-04. Review status: criteria provided, single submitter. Criteria: Ambry Variant Classification Scheme 2023. Collection method: clinical testing. Allele origin: germline.

Labcorp Genetics (formerly Invitae), Labcorp
Classification: Uncertain significance for Combined immunodeficiency due to LRBA deficiency. Last evaluated: 2022-06-10. Review status: criteria provided, single submitter. Criteria: Invitae Variant Classification Sherloc (09022015). Collection method: clinical testing. Allele origin: germline.
Comment: Algorithms developed to predict the effect of missense changes on protein structure and function are either unavailable or do not agree on the potential impact of this missense change (SIFT: "Tolerated"; PolyPhen-2: "Probably Damaging"; Align-GVGD: "Class C0"). This variant has not been reported in the literature in individuals affected with LRBA-related conditions. This variant is present in population databases (rs762156589, gnomAD 0.01%). This sequence change replaces alanine, which is neutral and non-polar, with valine, which is neutral and non-polar, at codon 823 of the LRBA protein (p.Ala823Val). Algorithms developed to predict the effect of sequence changes on RNA splicing suggest that this variant may create or strengthen a splice site. In summary, the available evidence is currently insufficient to determine the role of this variant in disease. Therefore, it has been classified as a Variant of Uncertain Significance.

NM_001364905.1(LRBA):c.2468C>T (p.Ala823Val)

Gene: LRBA (LPS responsive beige-like anchor protein; minus strand). Cytogenetic location: 4q31.3.
Variant type: single nucleotide variant.
Coding change: c.2468C>T on transcript NM_001364905.1 (MANE Select); coding-DNA position 2468, C replaced by T.
Protein change: p.Ala823Val; replaces alanine 823 with valine.
Molecular consequence: missense variant.
Genome position (GRCh38, 1-based): chr4:150,868,287, G>A on the plus strand (C>T on the coding strand, the complement: LRBA is on the minus strand). VCF-style: chr4-150868287-G-A. GRCh37 (hg19) VCF-style: chr4-151789439-G-A.
Other names: p.Ala823Val; c.2468C>T, p.Ala823Val (NM_001199282.3, NM_001367550.1, NM_006726.5); short protein forms A823V.
Identifiers: ClinVar variation 2200275 (VCV002200275.6), dbSNP rs762156589, ClinGen allele CA3103229.